The following is an entry in ClinVar:

ClinVar aggregate classification (germline): Uncertain significance (1 of 4 stars; one submission).

Conditions:
APC2-related disorder. Also called: APC2-related condition; APC2-Related Disorders.

Allele frequency attached by ClinVar (database versions not stated): gnomAD 0.00001; TOPMed 0.00003.
gnomAD v4.1: 4 of 1,523,586 alleles (0.00026%); highest among the groups gnomAD compares: Admixed American, 0.004%; no homozygotes.

Submission:

PreventionGenetics, part of Exact Sciences
Classification: Uncertain significance for APC2-related condition. Last evaluated: 2023-05-26. Review status: criteria provided, single submitter. Criteria: ACMG Guidelines, 2015. Collection method: clinical testing. Allele origin: germline.
Comment: The APC2 c.4804C>T variant is predicted to result in the amino acid substitution p.Arg1602Trp. To our knowledge, this variant has not been reported in the literature. This variant is reported in 0.0044% of alleles in individuals of Latino descent in gnomAD. At this time, the clinical significance of this variant is uncertain due to the absence of conclusive functional and genetic evidence.

NM_005883.3(APC2):c.4804C>T (p.Arg1602Trp)

Gene: APC2 (APC regulator of Wnt signaling pathway 2; plus strand). Cytogenetic location: 19p13.3.
Variant type: single nucleotide variant.
Coding change: c.4804C>T on transcript NM_005883.3 (MANE Select); coding-DNA position 4804, C replaced by T.
Protein change: p.Arg1602Trp; replaces arginine 1602 with tryptophan.
Molecular consequence: missense variant.
Genome position (GRCh38, 1-based): chr19:1,468,105, C>T. VCF-style: chr19-1468105-C-T. GRCh37 (hg19) VCF-style: chr19-1468104-C-T.
Other names: c.4801C>T, p.Arg1601Trp (NM_001351273.1); short protein forms R1601W, R1602W.
Identifiers: ClinVar variation 2635034 (VCV002635034.1), dbSNP rs1266589241, ClinGen allele CA403038274.
Genomic context (GRCh38, chr19:1,468,105, plus strand): 5'-TCCGCCAGCTCCCTCAGCGAGCCCGAGCCCTCGGAGCCGCCGGCCGTCCATCCACGAGGC[C>T]GGGAGCCCGCGGTCACCAAGGACCCGGGCCCAGGAGGCGGACGCGACAGCTCGCCCAGCC-3'
Protein context (NP_005874.1, residues 1592-1612): SEPPAVHPRG[Arg1602Trp]EPAVTKDPGP